The following is an entry in ClinVar:

ClinVar aggregate classification (germline): Uncertain significance (1 of 4 stars; one submission).

Conditions:
Weill-Marchesani 4 syndrome, recessive. Also called: Weill-Marchesani syndrome 4. Identifiers: Orphanet 363992, MedGen C2750787, MONDO:0013176, OMIM 613195.

Allele frequency attached by ClinVar (database versions not stated): gnomAD exomes below 0.00001.
gnomAD v4.1: 2 of 1,613,654 alleles (0.00012%); highest among the groups gnomAD compares: Non-Finnish European, 0.00017%; no homozygotes.

Submission:

3billion
Classification: Uncertain significance for Weill-Marchesani 4 syndrome, recessive. Last evaluated: 2022-05-22. Review status: criteria provided, single submitter. Criteria: ACMG Guidelines, 2015. Collection method: clinical testing. Allele origin: germline. Affected: yes. Observed: 1 homozygote.
Comment: The variant is not observed in the gnomAD v2.1.1 dataset. In silico tools predict the variant to alter splicing and produce an abnormal transcript (SpliceAI: 0.92). Therefore, this variant is classified as uncertain significanceaccording to the recommendation of ACMG/AMP guideline.

NM_139057.4(ADAMTS17):c.2796+5G>A

Gene: ADAMTS17 (ADAM metallopeptidase with thrombospondin type 1 motif 17; minus strand). Cytogenetic location: 15q26.3.
Variant type: single nucleotide variant.
Coding change: c.2796+5G>A on transcript NM_139057.4 (MANE Select); 5 bases into the intron after coding-DNA position 2796, G replaced by A.
Molecular consequence: intron variant.
Genome position (GRCh38, 1-based): chr15:99,997,380, C>T on the plus strand (G>A on the coding strand, the complement: ADAMTS17 is on the minus strand). VCF-style: chr15-99997380-C-T. GRCh37 (hg19) VCF-style: chr15-100537585-C-T.
Identifiers: ClinVar variation 1687381 (VCV001687381.1), dbSNP rs2141345957, ClinGen allele CA2573151369.